The following is an entry in ClinVar:

ClinVar aggregate classification (germline): Uncertain significance (1 of 4 stars; one submission).

gnomAD v4.1: 2 of 1,211,374 alleles (0.00017%); highest among the groups gnomAD compares: Non-Finnish European, 0.00022%; no homozygotes.

Submission:

GeneDx
Classification: Uncertain significance. Last evaluated: 2023-04-26. Review status: criteria provided, single submitter. Criteria: GeneDx Variant Classification Process June 2021. Collection method: clinical testing. Allele origin: germline. Affected: yes.
Comment: Not observed at significant frequency in large population cohorts (gnomAD); In silico analysis supports that this missense variant has a deleterious effect on protein structure/function; Has not been previously published as pathogenic or benign to our knowledge

NM_001448.3(GPC4):c.1490G>T (p.Gly497Val)

Gene: GPC4 (glypican 4; minus strand). Cytogenetic location: Xq26.2.
Variant type: single nucleotide variant.
Coding change: c.1490G>T on transcript NM_001448.3 (MANE Select); coding-DNA position 1490, G replaced by T.
Protein change: p.Gly497Val; replaces glycine 497 with valine.
Molecular consequence: missense variant.
Genome position (GRCh38, 1-based): chrX:133,303,048, C>A on the plus strand (G>T on the coding strand, the complement: GPC4 is on the minus strand). VCF-style: chrX-133303048-C-A. GRCh37 (hg19) VCF-style: chrX-132437076-C-A.
Other names: short protein forms G497V.
Identifiers: ClinVar variation 2662076 (VCV002662076.1), dbSNP rs2520390429, ClinGen allele CA414690996.
Genomic context (GRCh38, chrX:133,303,048, plus strand): 5'-TCAGTGGCATTGTAGTCAAACTCTGAAGGGCACTGCTGATACTCACAGCCACTTCCACTT[C>A]CTTCTCCACTACTTTCATCACCTAGTTTAAAAAAAAATGGAATAGAAATTTCATTCCACT-3'
Protein context (NP_001439.2, residues 487-507): FDISDESSGE[Gly497Val]SGSGCEYQQC